The following is an entry in ClinVar:

NM_006231.4(POLE):c.3662C>G (p.Pro1221Arg)

Gene: POLE (DNA polymerase epsilon, catalytic subunit; minus strand). Cytogenetic location: 12q24.33.
Variant type: single nucleotide variant.
Coding change: c.3662C>G on transcript NM_006231.4 (MANE Select); coding-DNA position 3662, C replaced by G.
Protein change: p.Pro1221Arg; replaces proline 1221 with arginine.
Molecular consequence: missense variant.
Genome position (GRCh38, 1-based): chr12:132,649,810, G>C on the plus strand (C>G on the coding strand, the complement: POLE is on the minus strand). VCF-style: chr12-132649810-G-C. GRCh37 (hg19) VCF-style: chr12-133226396-G-C.
Other names: c.3662C>G (NM_006231.2); short protein forms P1221R.
Identifiers: ClinVar variation 860760 (VCV000860760.10), dbSNP rs2042381974, ClinGen allele CA387386720.

ClinVar aggregate classification (germline): Uncertain significance. Review status: criteria provided, multiple submitters, no conflicts (2 of 4 stars). 2 submissions from 2 submitters: Uncertain significance (2). Last evaluated 2024-04-19.

Conditions:
Hereditary cancer-predisposing syndrome. Also called: Tumor predisposition; Hereditary neoplastic syndrome; Neoplastic Syndromes, Hereditary; Hereditary Cancer Syndrome. Identifiers: Orphanet 140162, MedGen C0027672, MeSH D009386, MONDO:0015356.

Allele frequency attached by ClinVar (database versions not stated): gnomAD exomes below 0.00001.
gnomAD v4.1: 2 of 1,614,178 alleles (0.00012%); highest among the groups gnomAD compares: Non-Finnish European, 0.00017%; no homozygotes.

Submissions (2):

Ambry Genetics
Classification: Uncertain significance for Hereditary cancer-predisposing syndrome. Last evaluated: 2024-04-19. Review status: criteria provided, single submitter. Criteria: Ambry Variant Classification Scheme 2023. Collection method: clinical testing. Allele origin: germline.
Comment: The p.P1221R variant (also known as c.3662C>G), located in coding exon 30 of the POLE gene, results from a C to G substitution at nucleotide position 3662. The proline at codon 1221 is replaced by arginine, an amino acid with dissimilar properties. This amino acid position is conserved. In addition, this alteration is predicted to be tolerated by in silico analysis. Based on the available evidence, the clinical significance of this variant remains unclear.

Labcorp Genetics (formerly Invitae), Labcorp
Classification: Uncertain significance. Last evaluated: 2023-08-11. Review status: criteria provided, single submitter. Criteria: Invitae Variant Classification Sherloc (09022015). Collection method: clinical testing. Allele origin: germline.
Comment: In summary, the available evidence is currently insufficient to determine the role of this variant in disease. Therefore, it has been classified as a Variant of Uncertain Significance. Advanced modeling of protein sequence and biophysical properties (such as structural, functional, and spatial information, amino acid conservation, physicochemical variation, residue mobility, and thermodynamic stability) performed at Invitae indicates that this missense variant is not expected to disrupt POLE protein function. ClinVar contains an entry for this variant (Variation ID: 860760). This variant has not been reported in the literature in individuals affected with POLE-related conditions. This variant is not present in population databases (gnomAD no frequency). This sequence change replaces proline, which is neutral and non-polar, with arginine, which is basic and polar, at codon 1221 of the POLE protein (p.Pro1221Arg).